The following is an entry in ClinVar:

ClinVar aggregate classification (germline): Uncertain significance (1 of 4 stars; one submission).

Conditions:
Cystic fibrosis (CF). Also called: MUCOVISCIDOSIS. Identifiers: Orphanet 586, MedGen C0010674, MONDO:0009061, OMIM 219700. Disease mechanism: loss of function.

Allele frequency attached by ClinVar (database versions not stated): gnomAD exomes below 0.00001.
gnomAD v4.1: 3 of 1,528,036 alleles (0.0002%); highest among the groups gnomAD compares: Non-Finnish European, 0.00026%; no homozygotes.

Submission:

Ambry Genetics
Classification: Uncertain significance for Cystic fibrosis. Last evaluated: 2023-02-06. Review status: criteria provided, single submitter. Criteria: Ambry Variant Classification Scheme 2023. Collection method: clinical testing. Allele origin: germline.
Comment: The p.R810S variant (also known as c.2430A>T), located in coding exon 14 of the CFTR gene, results from an A to T substitution at nucleotide position 2430. The arginine at codon 810 is replaced by serine, an amino acid with dissimilar properties. This amino acid position is conserved. In addition, this alteration is predicted to be deleterious by in silico analysis. Since supporting evidence is limited at this time, the clinical significance of this alteration remains unclear.

NM_000492.4(CFTR):c.2430A>T (p.Arg810Ser)

Gene: CFTR (CF transmembrane conductance regulator; plus strand). Cytogenetic location: 7q31.2.
Variant type: single nucleotide variant.
Coding change: c.2430A>T on transcript NM_000492.4 (MANE Select); coding-DNA position 2430, A replaced by T.
Protein change: p.Arg810Ser; replaces arginine 810 with serine.
Molecular consequence: missense variant.
Genome position (GRCh38, 1-based): chr7:117,592,597, A>T. VCF-style: chr7-117592597-A-T. GRCh37 (hg19) VCF-style: chr7-117232651-A-T.
Other names: short protein forms R810S.
Identifiers: ClinVar variation 2453655 (VCV002453655.2), dbSNP rs2485110819, ClinGen allele CA368981251.